The following is an entry in ClinVar:

ClinVar aggregate classification (germline): Uncertain significance (1 of 4 stars; one submission).

Conditions:
Dilated cardiomyopathy 1G (CMD1G). Identifiers: Orphanet 154, MedGen C1858763, MONDO:0011400, OMIM 604145.
Autosomal recessive limb-girdle muscular dystrophy type 2J (LGMDR10). Also called: Limb-girdle muscular dystrophy, type 2J; MUSCULAR DYSTROPHY, LIMB-GIRDLE, AUTOSOMAL RECESSIVE 10. Identifiers: Orphanet 140922, MedGen C1837342, MONDO:0012127, OMIM 608807.

Submission:

Labcorp Genetics (formerly Invitae), Labcorp
Classification: Uncertain significance for Dilated cardiomyopathy 1G; Autosomal recessive limb-girdle muscular dystrophy type 2J. Last evaluated: 2023-11-22. Review status: criteria provided, single submitter. Criteria: Invitae Variant Classification Sherloc (09022015). Collection method: clinical testing. Allele origin: germline.
Comment: This sequence change replaces isoleucine, which is neutral and non-polar, with threonine, which is neutral and polar, at codon 33957 of the TTN protein (p.Ile33957Thr). This variant is not present in population databases (gnomAD no frequency). This missense change has been observed in individual(s) with distal myopathy (PMID: 27854218). Experimental studies and prediction algorithms are not available or were not evaluated, and the functional significance of this variant is currently unknown. This variant is located in the M band of TTN (PMID: 25589632). Variants in this region may be relevant for neuromuscular disorders, but have not been definitively shown to cause cardiomyopathy (PMID: 23975875). In summary, the available evidence is currently insufficient to determine the role of this variant in disease. Therefore, it has been classified as a Variant of Uncertain Significance.

Literature cited by the submitters: PubMed 27854218; PubMed 25589632; PubMed 23975875.

NM_001267550.2(TTN):c.101870T>C (p.Ile33957Thr)

Genes: TTN-AS1 (TTN antisense RNA 1; plus strand), TTN (titin; minus strand). Cytogenetic location: 2q31.2.
Variant type: single nucleotide variant.
Coding change: c.101870T>C on transcript NM_001267550.2 (MANE Select); coding-DNA position 101870, T replaced by C.
Protein change: p.Ile33957Thr; replaces isoleucine 33957 with threonine.
Molecular consequence: missense variant.
Genome position (GRCh38, 1-based): chr2:178,534,745, A>G on the plus strand (T>C on the coding strand, the complement: TTN is on the minus strand). VCF-style: chr2-178534745-A-G. GRCh37 (hg19) VCF-style: chr2-179399472-A-G.
Other names: c.96947T>C, p.Ile32316Thr (NM_001256850.1); c.74675T>C, p.Ile24892Thr (NM_003319.4); c.94166T>C, p.Ile31389Thr (NM_133378.4); c.75050T>C, p.Ile25017Thr (NM_133432.3); c.75251T>C, p.Ile25084Thr (NM_133437.4); short protein forms I25084T, I32316T, I25017T, I31389T, I24892T, I33957T.
Identifiers: ClinVar variation 2935738 (VCV002935738.3), dbSNP rs2468547219, ClinGen allele CA349419127.